The following is an entry in ClinVar:

ClinVar aggregate classification (germline): Pathogenic (1 of 4 stars; one submission).

Conditions:
DNAAF4-Related Disorders.

Submission:

Women's Health and Genetics/Laboratory Corporation of America, LabCorp
Classification: Pathogenic for DNAAF4-Related Disorders. Last evaluated: 2024-10-02. Review status: criteria provided, single submitter. Criteria: LabCorp Variant Classification Summary - May 2015. Collection method: clinical testing. Allele origin: germline.
Comment: Variant summary: The variant involves the deletion of exon 7 in the DNAAF4 gene. A presumed nomenclature of c.(783+1_784-1)_(893+1_894-1)del has been designated for the purposes of this classification. This Copy Number Variant (CNV) is expected to alter the reading frame and predicted to result in a truncation or absence of the encoded protein due to nonsense mediated decay (NMD). The variant allele was found at a frequency of 9.2e-05 in 21694 control chromosomes. A similar 3.5 kb copy number deletion variant encompassing the c.(783+1_784-1)_(893+1_894-1)del variant has been reported in the literature in multiple compound heterozygous individuals and a homozygous individual affected with DNAAF4-Related Disorders (Tarkar_2013). These data indicate that the variant is very likely to be associated with disease. To our knowledge, no experimental evidence demonstrating an impact on protein function has been reported. The following publications have been ascertained in the context of this evaluation (PMID: 24824133, 23872636). ClinVar contains an entry for this variant (Variation ID: 916125, 1069012, 2500780). Based on the evidence outlined above, the variant was classified as pathogenic.

Literature cited by the submitters: PubMed 24824133; PubMed 23872636.

NC_000015.9:g.(55727257_55731669)_(55731780_55742419)del

Gene: DNAAF4 (dynein axonemal assembly factor 4; minus strand). Cytogenetic location: 15q21.3.
Variant type: Deletion.
Identifiers: ClinVar variation 3384971 (VCV003384971.1).